The following is an entry in ClinVar:

NM_001148.6(ANK2):c.8614C>A (p.Gln2872Lys)

Gene: ANK2 (ankyrin 2; plus strand). Cytogenetic location: 4q26.
Variant type: single nucleotide variant.
Coding change: c.8614C>A on transcript NM_001148.6 (MANE Select); coding-DNA position 8614, C replaced by A.
Protein change: p.Gln2872Lys; replaces glutamine 2872 with lysine.
Molecular consequence: missense variant. On other transcripts: intron variant (68).
Genome position (GRCh38, 1-based): chr4:113,357,232, C>A. VCF-style: chr4-113357232-C-A. GRCh37 (hg19) VCF-style: chr4-114278388-C-A.
Other names: c.4376-3591C>A (NM_001354254.2); c.4397-3591C>A (NM_001354239.2, NM_001354252.2); c.4298-3591C>A (NM_001354272.2); c.4361-3591C>A (NM_001354244.2, NM_001354256.2, NM_001386161.1); c.4400-3591C>A (NM_001127493.3); c.4364-3591C>A (NM_001386143.1, NM_001354243.2, NM_001354255.2); c.4265-3591C>A (NM_001354262.2, NM_001354275.2, NM_001354245.2); c.4202-3591C>A (NM_001354253.2, NM_001354270.2); and 35 more; short protein forms Q2872K, Q1672K, Q2794K, Q2911K, Q2919K.
Identifiers: ClinVar variation 943447 (VCV000943447.7), dbSNP rs2095846712, ClinGen allele CA357934441.
Genomic context (GRCh38, chr4:113,357,232, plus strand): 5'-CATTGTTTGGTATCTGAAGGAAAAGAATTAGATGAAGACATATCTGCCACATCTTCTATT[C>A]AAAAAACAGAGGTCACAAAAACTGATGAAACATTTGAGAACTTACCAAAGGACTGCCCCT-3'
Protein context (NP_001139.3, residues 2862-2882): DEDISATSSI[Gln2872Lys]KTEVTKTDET

ClinVar aggregate classification (germline): Uncertain significance. Review status: criteria provided, multiple submitters, no conflicts (2 of 4 stars). 2 submissions from 2 submitters: Uncertain significance (2). Last evaluated 2024-07-17.

Conditions:
Cardiovascular phenotype. Identifiers: MedGen CN230736.
Long QT syndrome (LQTS). Identifiers: MedGen C0023976, MeSH D008133, MONDO:0002442. Disease mechanism: loss of function. Inheritance: Various modes of inheritance.

Allele frequency attached by ClinVar (database versions not stated): gnomAD exomes below 0.00001.
gnomAD v4.1: 1 of 1,613,968 alleles (0.000062%); highest among the groups gnomAD compares: African/African-American, 0.0013%; no homozygotes.

Submissions (2):

Ambry Genetics
Classification: Uncertain significance for Cardiovascular phenotype. Last evaluated: 2024-07-17. Review status: criteria provided, single submitter. Criteria: Ambry Variant Classification Scheme 2023. Collection method: clinical testing. Allele origin: germline.
Comment: The p.Q2872K variant (also known as c.8614C>A), located in coding exon 38 of the ANK2 gene, results from a C to A substitution at nucleotide position 8614. The glutamine at codon 2872 is replaced by lysine, an amino acid with similar properties. This amino acid position is conserved. In addition, this alteration is predicted to be tolerated by in silico analysis. Based on the available evidence, the clinical significance of this variant remains unclear.

Labcorp Genetics (formerly Invitae), Labcorp
Classification: Uncertain significance for Long QT syndrome. Last evaluated: 2019-06-17. Review status: criteria provided, single submitter. Criteria: Invitae Variant Classification Sherloc (09022015). Collection method: clinical testing. Allele origin: germline.
Comment: In summary, the available evidence is currently insufficient to determine the role of this variant in disease. Therefore, it has been classified as a Variant of Uncertain Significance. Algorithms developed to predict the effect of missense changes on protein structure and function (SIFT, PolyPhen-2, Align-GVGD) all suggest that this variant is likely to be tolerated, but these predictions have not been confirmed by published functional studies and their clinical significance is uncertain. This variant has not been reported in the literature in individuals with ANK2-related conditions. This variant is not present in population databases (ExAC no frequency). This sequence change replaces glutamine with lysine at codon 2872 of the ANK2 protein (p.Gln2872Lys). The glutamine residue is weakly conserved and there is a small physicochemical difference between glutamine and lysine.